The following is an entry in ClinVar:

NM_002541.4(OGDH):c.1643G>C (p.Gly548Ala)

Gene: OGDH (oxoglutarate dehydrogenase; plus strand). Cytogenetic location: 7p13.
Variant type: single nucleotide variant.
Coding change: c.1643G>C on transcript NM_002541.4 (MANE Select); coding-DNA position 1643, G replaced by C.
Protein change: p.Gly548Ala; replaces glycine 548 with alanine.
Molecular consequence: missense variant.
Genome position (GRCh38, 1-based): chr7:44,694,551, G>C. VCF-style: chr7-44694551-G-C. GRCh37 (hg19) VCF-style: chr7-44734150-G-C.
Other names: c.1631G>C, p.Gly544Ala (NM_001165036.2); c.1676G>C, p.Gly559Ala (NM_001363523.2); short protein forms G544A, G548A, G559A.
Identifiers: ClinVar variation 984383 (VCV000984383.9), dbSNP rs1202469414, ClinGen allele CA367403175.

ClinVar aggregate classification (germline): Uncertain significance. Review status: criteria provided, single submitter (1 of 4 stars). 2 submissions from 2 submitters: Uncertain significance (1). 1 of the submissions does not count toward it. Last evaluated 2020-12-31.

Conditions:
Oxoglutaricaciduria. Identifiers: Orphanet 31, MedGen C2752074, MONDO:0008759, OMIM 203740.

Allele frequency attached by ClinVar (database versions not stated): gnomAD exomes below 0.00001; 1000 Genomes Project 30x 0.00016.
gnomAD v4.1: 1 of 1,614,146 alleles (0.000062%); highest among the groups gnomAD compares: Admixed American, 0.0017%; no homozygotes.

Submissions (2):

Labcorp Genetics (formerly Invitae), Labcorp
Classification: Uncertain significance for Oxoglutaricaciduria. Last evaluated: 2020-12-31. Review status: criteria provided, single submitter. Criteria: Invitae Variant Classification Sherloc (09022015). Collection method: clinical testing. Allele origin: germline.
Comment: In summary, the available evidence is currently insufficient to determine the role of this variant in disease. Therefore, it has been classified as a Variant of Uncertain Significance. Algorithms developed to predict the effect of missense changes on protein structure and function (SIFT, PolyPhen-2, Align-GVGD) all suggest that this variant is likely to be disruptive, but these predictions have not been confirmed by published functional studies and their clinical significance is uncertain. This variant has not been reported in the literature in individuals with OGDH-related conditions. This variant is not present in population databases (ExAC no frequency). This sequence change replaces glycine with alanine at codon 548 of the OGDH protein (p.Gly548Ala). The glycine residue is highly conserved and there is a small physicochemical difference between glycine and alanine.

Shieh Lab, University of California, San Francisco
Classification: Uncertain significance for Oxoglutaricaciduria. Last evaluated: 2020-10-19. Review status: no assertion criteria provided. Collection method: research. Allele origin: germline. Affected: yes. Not counted in ClinVar's aggregate classification.